The following is an entry in ClinVar:

NM_000075.4(CDK4):c.239C>T (p.Thr80Ile)

Gene: CDK4 (cyclin dependent kinase 4; minus strand). Cytogenetic location: 12q14.1.
Variant type: single nucleotide variant.
Coding change: c.239C>T on transcript NM_000075.4 (MANE Select); coding-DNA position 239, C replaced by T.
Protein change: p.Thr80Ile; replaces threonine 80 with isoleucine.
Molecular consequence: missense variant.
Genome position (GRCh38, 1-based): chr12:57,751,322, G>A on the plus strand (C>T on the coding strand, the complement: CDK4 is on the minus strand). VCF-style: chr12-57751322-G-A. GRCh37 (hg19) VCF-style: chr12-58145105-G-A.
Other names: short protein forms T80I.
Identifiers: ClinVar variation 1790684 (VCV001790684.2), dbSNP rs2540902644, ClinGen allele CA385548255.

ClinVar aggregate classification (germline): Uncertain significance (1 of 4 stars; one submission).

Conditions:
Hereditary cancer-predisposing syndrome. Also called: Hereditary Cancer Syndrome; Hereditary neoplastic syndrome; Tumor predisposition; Neoplastic Syndromes, Hereditary. Identifiers: Orphanet 140162, MedGen C0027672, MeSH D009386, MONDO:0015356.

Allele frequency attached by ClinVar (database versions not stated): gnomAD exomes below 0.00001.
gnomAD v4.1: 3 of 1,614,146 alleles (0.00019%); highest among the groups gnomAD compares: Non-Finnish European, 0.00025%; no homozygotes.

Submission:

Ambry Genetics
Classification: Uncertain significance for Hereditary cancer-predisposing syndrome. Last evaluated: 2021-12-14. Review status: criteria provided, single submitter. Criteria: Ambry Variant Classification Scheme 2023. Collection method: clinical testing. Allele origin: germline.
Comment: The p.T80I variant (also known as c.239C>T), located in coding exon 2 of the CDK4 gene, results from a C to T substitution at nucleotide position 239. The threonine at codon 80 is replaced by isoleucine, an amino acid with similar properties. This amino acid position is highly conserved in available vertebrate species. In addition, the in silico prediction for this alteration is inconclusive. Since supporting evidence is limited at this time, the clinical significance of this alteration remains unclear.